The following is an entry in ClinVar:

ClinVar aggregate classification (germline): Uncertain significance (1 of 4 stars; one submission).

Conditions:
Autosomal dominant limb-girdle muscular dystrophy type 1F (LGMDD2). Also called: MUSCULAR DYSTROPHY, LIMB-GIRDLE, AUTOSOMAL DOMINANT 2; Limb-girdle muscular dystrophy, type 1F. Identifiers: Orphanet 55595, MedGen C1842062, MONDO:0012034, OMIM 608423.

Allele frequency attached by ClinVar (database versions not stated): gnomAD exomes below 0.00001; TOPMed below 0.00001; gnomAD 0.00001.
gnomAD v4.1: 5 of 1,612,916 alleles (0.00031%); highest among the groups gnomAD compares: African/African-American, 0.004%; no homozygotes.

Submission:

Labcorp Genetics (formerly Invitae), Labcorp
Classification: Uncertain significance for Autosomal dominant limb-girdle muscular dystrophy type 1F. Last evaluated: 2024-02-12. Review status: criteria provided, single submitter. Criteria: Invitae Variant Classification Sherloc (09022015). Collection method: clinical testing. Allele origin: germline.
Comment: This sequence change replaces tyrosine, which is neutral and polar, with cysteine, which is neutral and slightly polar, at codon 505 of the TNPO3 protein (p.Tyr505Cys). This variant is not present in population databases (gnomAD no frequency). This variant has not been reported in the literature in individuals affected with TNPO3-related conditions. ClinVar contains an entry for this variant (Variation ID: 1449618). Advanced modeling of protein sequence and biophysical properties (such as structural, functional, and spatial information, amino acid conservation, physicochemical variation, residue mobility, and thermodynamic stability) performed at Invitae indicates that this missense variant is not expected to disrupt TNPO3 protein function with a negative predictive value of 80%. In summary, the available evidence is currently insufficient to determine the role of this variant in disease. Therefore, it has been classified as a Variant of Uncertain Significance.

NM_012470.4(TNPO3):c.1514A>G (p.Tyr505Cys)

Gene: TNPO3 (transportin 3; minus strand). Cytogenetic location: 7q32.1.
Variant type: single nucleotide variant.
Coding change: c.1514A>G on transcript NM_012470.4 (MANE Select); coding-DNA position 1514, A replaced by G.
Protein change: p.Tyr505Cys; replaces tyrosine 505 with cysteine.
Molecular consequence: missense variant. On other transcripts: non-coding transcript variant (18), intron variant (2).
Genome position (GRCh38, 1-based): chr7:128,986,905, T>C on the plus strand (A>G on the coding strand, the complement: TNPO3 is on the minus strand). VCF-style: chr7-128986905-T-C. GRCh37 (hg19) VCF-style: chr7-128626959-T-C.
Other names: c.1616A>G, p.Tyr539Cys (NM_001382216.1); c.1595A>G, p.Tyr532Cys (NM_001382217.1); c.1514A>G, p.Tyr505Cys (NM_001382218.1, NM_001382220.1); c.1406A>G, p.Tyr469Cys (NM_001382219.1); c.1370A>G, p.Tyr457Cys (NM_001382221.1); c.1367A>G, p.Tyr456Cys (NM_001382222.1); c.1499-2646A>G (NM_001382223.1, NM_001191028.3); short protein forms Y532C, Y456C, Y539C, Y469C, Y457C, Y505C.
Identifiers: ClinVar variation 1449618 (VCV001449618.6), dbSNP rs1287148645, ClinGen allele CA369226681.
Genomic context (GRCh38, chr7:128,986,905, plus strand): 5'-TTATGAATGGCTTTGGCTGCAGCAGAAGCCAGGGGCTTTTCACACAGGCCTTTCATCAAA[T>C]AGCCCAACACAGGGTCTAAGAAGAAAAGCCAAGCAGAGATTACATATCTGAAACTAAAGG-3'
Protein context (NP_036602.1, residues 495-515): NPQFLDPVLG[Tyr505Cys]LMKGLCEKPL